The following is an entry in ClinVar:

ClinVar aggregate classification (germline): Likely pathogenic (1 of 4 stars; one submission).

Conditions:
Baraitser-Winter syndrome 1 (BRWS1). Also called: MENTAL RETARDATION WITH EPILEPSY AND CHARACTERISTIC FACIES; BARAITSER-WINTER SYNDROME 1, ATYPICAL; Cerebrofrontofacial syndrome; PACHYGYRIA, MENTAL RETARDATION, EPILEPSY, AND CHARACTERISTIC FACIES. Identifiers: Orphanet 2649, Orphanet 2995, MedGen C1855722, MONDO:0009470, OMIM 243310.

Submission:

Labcorp Genetics (formerly Invitae), Labcorp
Classification: Likely pathogenic for Baraitser-Winter syndrome 1. Last evaluated: 2020-09-11. Review status: criteria provided, single submitter. Criteria: Invitae Variant Classification Sherloc (09022015). Collection method: clinical testing. Allele origin: germline.
Comment: This variant has been observed in individual(s) with clinical features of Baraister-Winter syndrome (Invitae). In at least one individual the variant was observed to be de novo. In summary, the currently available evidence indicates that the variant is pathogenic, but additional data are needed to prove that conclusively. Therefore, this variant has been classified as Likely Pathogenic. Algorithms developed to predict the effect of missense changes on protein structure and function (SIFT, PolyPhen-2, Align-GVGD) all suggest that this variant is likely to be disruptive, but these predictions have not been confirmed by published functional studies and their clinical significance is uncertain. This variant is not present in population databases (ExAC no frequency). This sequence change replaces alanine with aspartic acid at codon 108 of the ACTB protein (p.Ala108Asp). The alanine residue is highly conserved and there is a moderate physicochemical difference between alanine and aspartic acid.

NM_001101.5(ACTB):c.323C>A (p.Ala108Asp)

Gene: ACTB (actin beta; minus strand). Cytogenetic location: 7p22.1.
Variant type: single nucleotide variant.
Coding change: c.323C>A on transcript NM_001101.5 (MANE Select); coding-DNA position 323, C replaced by A.
Protein change: p.Ala108Asp; replaces alanine 108 with aspartic acid.
Molecular consequence: missense variant.
Genome position (GRCh38, 1-based): chr7:5,529,201, G>T on the plus strand (C>A on the coding strand, the complement: ACTB is on the minus strand). VCF-style: chr7-5529201-G-T. GRCh37 (hg19) VCF-style: chr7-5568832-G-T.
Other names: short protein forms A108D.
Identifiers: ClinVar variation 1066727 (VCV001066727.9), dbSNP rs1411316425, ClinGen allele CA366704300.